The following is an entry in ClinVar:

NM_001111067.4(ACVR1):c.1436A>G (p.Tyr479Cys)

Gene: ACVR1 (activin A receptor type 1; minus strand). Cytogenetic location: 2q24.1.
Variant type: single nucleotide variant.
Coding change: c.1436A>G on transcript NM_001111067.4 (MANE Select); coding-DNA position 1436, A replaced by G.
Protein change: p.Tyr479Cys; replaces tyrosine 479 with cysteine.
Molecular consequence: missense variant.
Genome position (GRCh38, 1-based): chr2:157,737,625, T>C on the plus strand (A>G on the coding strand, the complement: ACVR1 is on the minus strand). VCF-style: chr2-157737625-T-C. GRCh37 (hg19) VCF-style: chr2-158594137-T-C.
Other names: c.1436A>G, p.Tyr479Cys (NM_001105.5, NM_001347663.1, NM_001347664.1 and 3 more transcripts); short protein forms Y479C.
Identifiers: ClinVar variation 3615982 (VCV003615982.2).

ClinVar aggregate classification (germline): Uncertain significance (1 of 4 stars; one submission).

Submission:

Labcorp Genetics (formerly Invitae), Labcorp
Classification: Uncertain significance. Last evaluated: 2024-02-03. Review status: criteria provided, single submitter. Criteria: Invitae Variant Classification Sherloc (09022015). Collection method: clinical testing. Allele origin: germline.
Comment: This sequence change replaces tyrosine, which is neutral and polar, with cysteine, which is neutral and slightly polar, at codon 479 of the ACVR1 protein (p.Tyr479Cys). This variant is present in population databases (no rsID available, gnomAD 0.004%). This variant has not been reported in the literature in individuals affected with ACVR1-related conditions. An algorithm developed to predict the effect of missense changes on protein structure and function (PolyPhen-2) suggests that this variant is likely to be disruptive. In summary, the available evidence is currently insufficient to determine the role of this variant in disease. Therefore, it has been classified as a Variant of Uncertain Significance.